The following is an entry in ClinVar:

NM_001367624.2(ZNF469):c.5126A>C (p.Gln1709Pro)

Gene: ZNF469 (zinc finger protein 469; plus strand). Cytogenetic location: 16q24.2.
Variant type: single nucleotide variant.
Coding change: c.5126A>C on transcript NM_001367624.2 (MANE Select); coding-DNA position 5126, A replaced by C.
Protein change: p.Gln1709Pro; replaces glutamine 1709 with proline.
Molecular consequence: missense variant.
Genome position (GRCh38, 1-based): chr16:88,432,596, A>C. VCF-style: chr16-88432596-A-C. GRCh37 (hg19) VCF-style: chr16-88499004-A-C.
Other names: p.Gln1709Pro; short protein forms Q1709P.
Identifiers: ClinVar variation 4542065 (VCV004542065.1).

ClinVar aggregate classification (germline): Uncertain significance (1 of 4 stars; one submission).

gnomAD v4.1: 68 of 1,550,342 alleles (0.0044%); highest among the groups gnomAD compares: Non-Finnish European, 0.0058%; no homozygotes.

Submission:

Mayo Clinic Laboratories, Mayo Clinic
Classification: Uncertain significance. Last evaluated: 2025-10-23. Review status: criteria provided, single submitter. Criteria: ACMG Guidelines, 2015. Collection method: clinical testing. Allele origin: germline. Observed: 1 variant allele.
Comment: BP4_moderate, PM2_supporting